The following is an entry in ClinVar:

NM_005055.5(RAPSN):c.789+1_789+6delinsACC

Gene: RAPSN (receptor associated protein of the synapse; minus strand). Cytogenetic location: 11p11.2.
Variant type: Indel.
Coding change: c.789+1_789+6delinsACC on transcript NM_005055.5 (MANE Select); the canonical splice donor site of the intron after coding-DNA position 789 through 6 bases into the intron after coding-DNA position 789, GTGAGG replaced by ACC.
Molecular consequence: splice donor variant.
Genome position (GRCh38, 1-based): chr11:47,441,817-47,441,822, CCTCAC replaced by GGT on the plus strand (GTGAGG replaced by ACC on the coding strand, the reverse complement: RAPSN is on the minus strand). VCF-style: chr11-47441817-CCTCAC-GGT. GRCh37 (hg19) VCF-style: chr11-47463369-CCTCAC-GGT.
Other names: c.789+1_789+6delinsACC (NM_001440498.1, NM_001440496.1, NM_001440495.1 and 8 more transcripts); c.450+1_450+6delinsACC (NM_001440504.1); c.630+1_630+6delinsACC (NM_001440503.1, NM_001440493.1, NM_001440502.1 and 1 more transcripts).
Identifiers: ClinVar variation 4815410 (VCV004815410.1).

ClinVar aggregate classification (germline): Likely pathogenic (1 of 4 stars; one submission).

Conditions:
Congenital myasthenic syndrome (CMS). Also called: Congenital Myasthenic Syndromes. Identifiers: Orphanet 590, MedGen C0751882, MeSH D020294, MONDO:0018940.

Submission:

Natera, Inc.
Classification: Likely pathogenic for Congenital myasthenic syndrome. Last evaluated: 2025-02-04. Review status: criteria provided, single submitter. Criteria: Natera Variant Classification Schema (03/2026). Collection method: clinical testing. Allele origin: germline.
Comment: The c.789+1_789+6delinsACC variant in RAPSN is a canonical splice donor site variant predicted to affect pre-mRNA splicing, which may result in an abnormal transcript and altered protein product. This variant is expected to result in nonsense mediated decay, truncation, or a dysfunctional protein product. This variant is rare in the general population with a frequency below the threshold expected for the associated phenotype(s). Given the available evidence, this variant is classified as Likely Pathogenic.